The following is an entry in ClinVar:

ClinVar aggregate classification (germline): Benign (0 of 4 stars; one submission).

Conditions:
CTTNBP2-related disorder. Also called: CTTNBP2-related condition.

Allele frequency attached by ClinVar (database versions not stated): ExAC 0.00698; TOPMed 0.02368; 1000 Genomes Project 0.02496; ESP Exome Variant Server 0.02591; 1000 Genomes Project 30x 0.02592.
gnomAD v4.1: 6,490 of 1,611,032 alleles (0.4%); highest among the groups gnomAD compares: African/African-American, 7.6%; 248 homozygotes.

Submission:

PreventionGenetics, part of Exact Sciences
Classification: Benign for CTTNBP2-related condition. Last evaluated: 2019-06-11. Review status: no assertion criteria provided. Collection method: clinical testing. Allele origin: germline.
Comment: This variant is classified as benign based on ACMG/AMP sequence variant interpretation guidelines (Richards et al. 2015 PMID: 25741868, with internal and published modifications).

NM_033427.3(CTTNBP2):c.414+9G>A

Gene: CTTNBP2 (cortactin binding protein 2; minus strand). Cytogenetic location: 7q31.31.
Variant type: single nucleotide variant.
Coding change: c.414+9G>A on transcript NM_033427.3 (MANE Select); 9 bases into the intron after coding-DNA position 414, G replaced by A.
Molecular consequence: intron variant.
Genome position (GRCh38, 1-based): chr7:117,810,756, C>T on the plus strand (G>A on the coding strand, the complement: CTTNBP2 is on the minus strand). VCF-style: chr7-117810756-C-T. GRCh37 (hg19) VCF-style: chr7-117450810-C-T.
Other names: c.-1521+9G>A (NM_001363351.1, NM_001363350.1); c.360+9G>A (NM_001363349.1).
Identifiers: ClinVar variation 3055612 (VCV003055612.2), dbSNP rs34868515, ClinGen allele CA4452910.
Genomic context (GRCh38, chr7:117,810,756, plus strand): 5'-AACTTTGGAGGTGATCTCCTCATTGGACACCATGTTGTGGGGAAAATGACCATTTGAACG[C>T]CTCAATACCTTCTTTTGTCTGCTCTCAGCAGCAGCCAGCTGTGCGGACATCCTTTCTTGC-3'